The following is an entry in ClinVar:

ClinVar aggregate classification (germline): Uncertain significance. Review status: criteria provided, multiple submitters, no conflicts (2 of 4 stars). 2 submissions from 2 submitters: Uncertain significance (2). Last evaluated 2021-12-17.

Conditions:
Hereditary spastic paraplegia 30. Identifiers: Orphanet 101010, MedGen C5235139, MONDO:0012476.
Neuropathy, hereditary sensory, type 2C. Also called: Hereditary sensory and autonomic neuropathy type IIC; KIF1A-Related HSAN2 (HSAN2C). Identifiers: Orphanet 970, MedGen C3280168, MONDO:0013634, OMIM 614213.
Intellectual disability, autosomal dominant 9 (NESCAVS). Also called: KIF1A-Related Neurodevelopmental Disorder; NESCAV SYNDROME. Identifiers: Orphanet 662367, MedGen C5393830, MONDO:0013656, OMIM 614255.

gnomAD v4.1: 1 of 1,600,468 alleles (0.000062%); highest among the groups gnomAD compares: Non-Finnish European, 0.000085%; no homozygotes.

Submissions (2):

Labcorp Genetics (formerly Invitae), Labcorp
Classification: Uncertain significance for Hereditary spastic paraplegia 30; Neuropathy, hereditary sensory, type 2C; Intellectual disability, autosomal dominant 9. Last evaluated: 2021-12-17. Review status: criteria provided, single submitter. Criteria: Invitae Variant Classification Sherloc (09022015). Collection method: clinical testing. Allele origin: germline.
Comment: This variant is not present in population databases (gnomAD no frequency). This sequence change replaces serine, which is neutral and polar, with phenylalanine, which is neutral and non-polar, at codon 680 of the KIF1A protein (p.Ser680Phe). This variant has not been reported in the literature in individuals affected with KIF1A-related conditions. ClinVar contains an entry for this variant (Variation ID: 451117). Algorithms developed to predict the effect of missense changes on protein structure and function are either unavailable or do not agree on the potential impact of this missense change (SIFT: "Deleterious"; PolyPhen-2: "Possibly Damaging"; Align-GVGD: "Class C15"). In summary, the available evidence is currently insufficient to determine the role of this variant in disease. Therefore, it has been classified as a Variant of Uncertain Significance.

GeneDx
Classification: Uncertain significance. Last evaluated: 2017-08-01. Review status: criteria provided, single submitter. Criteria: GeneDx Variant Classification (06012015). Collection method: clinical testing. Allele origin: germline. Affected: yes.
Comment: A variant of uncertain significance has been identified in the KIF1A gene. The S680F variant has not been published as a pathogenic variant, nor has it been reported as a benign variant to our knowledge. The S680F variant is not observed in large population cohorts (Lek et al., 2016; 1000 Genomes Consortium et al., 2015; Exome Variant Server). The S680F variant is a non-conservative amino acid substitution, which is likely to impact secondary protein structure as these residues differ in polarity, charge, size and/or other properties. This substitution occurs at a position that is conserved across species. In silico analysis predicts this variant is probably damaging to the protein structure/function. However, this amino acid substitution does not occur within the predicted motor domain of the protein, where all pathogenic missense KIF1A pathogenic variants have been identified to-date (Lee et al., 2014). Therefore, based on the currently available information, it is unclear whether this variant is a pathogenic variant or a rare benign variant.

NM_001244008.2(KIF1A):c.2066C>T (p.Ser689Phe)

Gene: KIF1A (kinesin family member 1A; minus strand). Cytogenetic location: 2q37.3.
Variant type: single nucleotide variant.
Coding change: c.2066C>T on transcript NM_001244008.2 (MANE Select); coding-DNA position 2066, C replaced by T.
Protein change: p.Ser689Phe; replaces serine 689 with phenylalanine.
Molecular consequence: missense variant.
Genome position (GRCh38, 1-based): chr2:240,762,769, G>A on the plus strand (C>T on the coding strand, the complement: KIF1A is on the minus strand). VCF-style: chr2-240762769-G-A. GRCh37 (hg19) VCF-style: chr2-241702186-G-A.
Other names: c.2066C>T, p.Ser689Phe (NM_001320705.2, NM_001330289.2, NM_001379638.1); c.2141C>T, p.Ser714Phe (NM_001330290.2, NM_001379631.1, NM_001379634.1 and 2 more transcripts); c.2039C>T, p.Ser680Phe (NM_001379632.1, NM_001379633.1, NM_001379636.1 and 10 more transcripts); c.2114C>T, p.Ser705Phe (NM_001379637.1, NM_001379648.1); short protein forms S680F, S689F, S714F, S705F.
Identifiers: ClinVar variation 451117 (VCV000451117.8), dbSNP rs1553633725, ClinGen allele CA351326272.